The following is an entry in ClinVar:

NM_001482.3(GATM):c.530A>G (p.Asn177Ser)

Gene: GATM (glycine amidinotransferase; minus strand). Cytogenetic location: 15q21.1.
Variant type: single nucleotide variant.
Coding change: c.530A>G on transcript NM_001482.3 (MANE Select); coding-DNA position 530, A replaced by G.
Protein change: p.Asn177Ser; replaces asparagine 177 with serine.
Molecular consequence: missense variant.
Genome position (GRCh38, 1-based): chr15:45,368,215, T>C on the plus strand (A>G on the coding strand, the complement: GATM is on the minus strand). VCF-style: chr15-45368215-T-C. GRCh37 (hg19) VCF-style: chr15-45660413-T-C.
Other names: c.143A>G, p.Asn48Ser (NM_001321015.2); c.530A>G (NM_001482.2); short protein forms N177S, N48S.
Identifiers: ClinVar variation 3660343 (VCV003660343.3).

ClinVar aggregate classification (germline): Uncertain significance. Review status: criteria provided, multiple submitters, no conflicts (2 of 4 stars). 2 submissions from 2 submitters: Uncertain significance (2). Last evaluated 2026-04-01.

Conditions:
Arginine:glycine amidinotransferase deficiency (CCDS3). Also called: AGAT deficiency; L-Arginine:Glycine Amidinotransferase Deficiency; L-Arginine:Glycine Amidinotransferase (AGAT) Deficiency; Cerebral creatine deficiency syndrome 3; Creatine deficiency syndrome due to AGAT deficiency; GATM deficiency. Identifiers: Orphanet 35704, MedGen C2675179, MONDO:0012996, OMIM 612718.

gnomAD v4.1: 6 of 1,613,970 alleles (0.00037%); highest among the groups gnomAD compares: African/African-American, 0.008%; no homozygotes.

Submissions (2):

GeneDx
Classification: Uncertain significance. Last evaluated: 2026-04-01. Review status: criteria provided, single submitter. Criteria: GeneDx Variant Classification Process June 2021. Collection method: clinical testing. Allele origin: germline.
Comment: Not observed at significant frequency in large population cohorts (gnomAD); In silico analysis suggests that this missense variant does not alter protein structure/function; Has not been previously published as pathogenic or benign to our knowledge

Labcorp Genetics (formerly Invitae), Labcorp
Classification: Uncertain significance for Arginine:glycine amidinotransferase deficiency. Last evaluated: 2025-08-29. Review status: criteria provided, single submitter. Criteria: Invitae Variant Classification Sherloc (09022015). Collection method: clinical testing. Allele origin: germline.
Comment: This sequence change replaces asparagine, which is neutral and polar, with serine, which is neutral and polar, at codon 177 of the GATM protein (p.Asn177Ser). This variant is present in population databases (no rsID available, gnomAD 0.007%). This variant has not been reported in the literature in individuals affected with GATM-related conditions. ClinVar contains an entry for this variant (Variation ID: 3660343). Invitae Evidence Modeling of protein sequence and biophysical properties (such as structural, functional, and spatial information, amino acid conservation, physicochemical variation, residue mobility, and thermodynamic stability) indicates that this missense variant is not expected to disrupt GATM protein function with a negative predictive value of 95%. In summary, the available evidence is currently insufficient to determine the role of this variant in disease. Therefore, it has been classified as a Variant of Uncertain Significance.